The following is an entry in ClinVar:

NM_000548.5(TSC2):c.3584C>G (p.Ala1195Gly)

Gene: TSC2 (TSC complex subunit 2; plus strand). Cytogenetic location: 16p13.3.
Variant type: single nucleotide variant.
Coding change: c.3584C>G on transcript NM_000548.5 (MANE Select); coding-DNA position 3584, C replaced by G.
Protein change: p.Ala1195Gly; replaces alanine 1195 with glycine.
Molecular consequence: missense variant.
Genome position (GRCh38, 1-based): chr16:2,080,351, C>G. VCF-style: chr16-2080351-C-G. GRCh37 (hg19) VCF-style: chr16-2130352-C-G.
Other names: c.3452C>G, p.Ala1151Gly (NM_001077183.3, NM_001370404.1); c.3584C>G, p.Ala1195Gly (NM_001114382.3); c.3344C>G, p.Ala1115Gly (NM_001318827.2); c.3308C>G, p.Ala1103Gly (NM_001318829.2); c.2852C>G, p.Ala951Gly (NM_001318831.2); c.3485C>G, p.Ala1162Gly (NM_001318832.2); c.3455C>G, p.Ala1152Gly (NM_001363528.2, NM_001370405.1, NM_021055.3); short protein forms A1151G, A1152G, A1162G, A1195G, A1103G, A1115G, A951G.
Identifiers: ClinVar variation 823957 (VCV000823957.7), dbSNP rs773951533, ClinGen allele CA394289659.
Genomic context (GRCh38, chr16:2,080,351, plus strand): 5'-TTCCTGTGCAGGAGAAGACGAACCTGGCGGCCTATGTGCCCCTGCTGACCCAGGGCTGGG[C>G]GGAGATCCTGGTCCGGAGGCCCACAGGTACTGGGCGGGGCTGGCCTGAGCGCCATCTTTC-3'
Protein context (NP_000539.2, residues 1185-1205): AYVPLLTQGW[Ala1195Gly]EILVRRPTGN

ClinVar aggregate classification (germline): Uncertain significance. Review status: criteria provided, multiple submitters, no conflicts (2 of 4 stars). 2 submissions from 2 submitters: Uncertain significance (2). Last evaluated 2024-01-24.

Conditions:
Tuberous sclerosis 2 (TSC2). Identifiers: Orphanet 805, MedGen C1860707, MONDO:0013199, OMIM 613254.
Hereditary cancer-predisposing syndrome. Also called: Neoplastic Syndromes, Hereditary; Hereditary Cancer Syndrome; Hereditary neoplastic syndrome; Tumor predisposition. Identifiers: Orphanet 140162, MedGen C0027672, MeSH D009386, MONDO:0015356.

Submissions (2):

Labcorp Genetics (formerly Invitae), Labcorp
Classification: Uncertain significance for Tuberous sclerosis 2. Last evaluated: 2024-01-24. Review status: criteria provided, single submitter. Criteria: Invitae Variant Classification Sherloc (09022015). Collection method: clinical testing. Allele origin: germline.
Comment: This sequence change replaces alanine, which is neutral and non-polar, with glycine, which is neutral and non-polar, at codon 1195 of the TSC2 protein (p.Ala1195Gly). This variant is not present in population databases (gnomAD no frequency). This variant has not been reported in the literature in individuals affected with TSC2-related conditions. ClinVar contains an entry for this variant (Variation ID: 823957). Advanced modeling of protein sequence and biophysical properties (such as structural, functional, and spatial information, amino acid conservation, physicochemical variation, residue mobility, and thermodynamic stability) has been performed at Invitae for this missense variant, however the output from this modeling did not meet the statistical confidence thresholds required to predict the impact of this variant on TSC2 protein function. In summary, the available evidence is currently insufficient to determine the role of this variant in disease. Therefore, it has been classified as a Variant of Uncertain Significance.

Ambry Genetics
Classification: Uncertain significance for Hereditary cancer-predisposing syndrome. Last evaluated: 2018-05-29. Review status: criteria provided, single submitter. Criteria: Ambry Variant Classification Scheme 2023. Collection method: clinical testing. Allele origin: germline.
Comment: The p.A1195G variant (also known as c.3584C>G), located in coding exon 29 of the TSC2 gene, results from a C to G substitution at nucleotide position 3584. The alanine at codon 1195 is replaced by glycine, an amino acid with similar properties. This amino acid position is highly conserved in available vertebrate species. In addition, this alteration is predicted to be deleterious by in silico analysis. Since supporting evidence is limited at this time, the clinical significance of this alteration remains unclear.